The following is an entry in ClinVar:

ClinVar aggregate classification (germline): Uncertain significance. Review status: criteria provided, multiple submitters, no conflicts (2 of 4 stars). 4 submissions from 4 submitters: Uncertain significance (4). Last evaluated 2026-01-22.

Conditions:
BBS1-related disorder. Also called: BBS1-related condition.
Inborn genetic diseases. Identifiers: MedGen C0950123, MeSH D030342.
Bardet-Biedl syndrome (BBS). Identifiers: Orphanet 110, MedGen C0752166, MONDO:0015229.

Allele frequency attached by ClinVar (database versions not stated): gnomAD exomes 0.00001 and 0.00004; gnomAD 0.00004 and 0.00003; TOPMed 0.00002; ExAC 0.00002.
gnomAD v4.1: 67 of 1,614,016 alleles (0.0042%); highest among the groups gnomAD compares: Non-Finnish European, 0.0056%; no homozygotes.

Submissions (4):

PreventionGenetics, part of Exact Sciences
Classification: Uncertain significance for BBS1-related condition. Last evaluated: 2026-01-22. Review status: criteria provided, single submitter. Criteria: ACMG Guidelines, 2015. Collection method: clinical testing. Allele origin: germline.
Comment: The BBS1 c.1246G>T variant is predicted to result in the amino acid substitution p.Gly416Cys. To our knowledge, this variant has not been reported in the literature. This variant is reported in 0.0023% of alleles in individuals of European (Non-Finnish) descent in gnomAD. At this time, the clinical significance of this variant is uncertain due to the absence of conclusive functional and genetic evidence.

Blueprint Genetics
Classification: Uncertain significance. Last evaluated: 2024-11-19. Review status: criteria provided, single submitter. Criteria: ACMG Guidelines, 2015. Collection method: clinical testing. Allele origin: germline.

Ambry Genetics
Classification: Uncertain significance for Inborn genetic diseases. Last evaluated: 2023-12-16. Review status: criteria provided, single submitter. Criteria: Ambry Variant Classification Scheme 2023. Collection method: clinical testing. Allele origin: germline.

Labcorp Genetics (formerly Invitae), Labcorp
Classification: Uncertain significance for Bardet-Biedl syndrome. Last evaluated: 2022-07-12. Review status: criteria provided, single submitter. Criteria: Invitae Variant Classification Sherloc (09022015). Collection method: clinical testing. Allele origin: germline.
Comment: This sequence change replaces glycine, which is neutral and non-polar, with cysteine, which is neutral and slightly polar, at codon 416 of the BBS1 protein (p.Gly416Cys). This variant is present in population databases (rs202201758, gnomAD 0.003%). This variant has not been reported in the literature in individuals affected with BBS1-related conditions. ClinVar contains an entry for this variant (Variation ID: 1492918). Algorithms developed to predict the effect of missense changes on protein structure and function are either unavailable or do not agree on the potential impact of this missense change (SIFT: "Deleterious"; PolyPhen-2: "Probably Damaging"; Align-GVGD: "Class C0"). In summary, the available evidence is currently insufficient to determine the role of this variant in disease. Therefore, it has been classified as a Variant of Uncertain Significance.

NM_024649.5(BBS1):c.1246G>T (p.Gly416Cys)

Genes: BBS1 (Bardet-Biedl syndrome 1; plus strand), ZDHHC24 (zDHHC palmitoyltransferase 24; minus strand). Cytogenetic location: 11q13.2.
Variant type: single nucleotide variant.
Coding change: c.1246G>T on transcript NM_024649.5 (MANE Select); coding-DNA position 1246, G replaced by T.
Protein change: p.Gly416Cys; replaces glycine 416 with cysteine.
Molecular consequence: missense variant. On other transcripts: intron variant (1).
Genome position (GRCh38, 1-based): chr11:66,526,714, G>T. VCF-style: chr11-66526714-G-T. GRCh37 (hg19) VCF-style: chr11-66294185-G-T.
Other names: c.*21+222C>A (NM_001348571.2); short protein forms G416C.
Identifiers: ClinVar variation 1492918 (VCV001492918.9), dbSNP rs202201758, ClinGen allele CA6123684.